The following is an entry in ClinVar:

NM_002067.5(GNA11):c.270G>T (p.Met90Ile)

Gene: GNA11 (G protein subunit alpha 11; plus strand). Cytogenetic location: 19p13.3.
Variant type: single nucleotide variant.
Coding change: c.270G>T on transcript NM_002067.5 (MANE Select); coding-DNA position 270, G replaced by T.
Protein change: p.Met90Ile; replaces methionine 90 with isoleucine.
Molecular consequence: missense variant.
Genome position (GRCh38, 1-based): chr19:3,110,282, G>T. VCF-style: chr19-3110282-G-T. GRCh37 (hg19) VCF-style: chr19-3110280-G-T.
Other names: short protein forms M90I.
Identifiers: ClinVar variation 1712146 (VCV001712146.2), dbSNP rs2512089288, ClinGen allele CA403305849.

ClinVar aggregate classification (germline): Uncertain significance (1 of 4 stars; one submission).

Submission:

GeneDx
Classification: Uncertain significance. Last evaluated: 2022-04-22. Review status: criteria provided, single submitter. Criteria: GeneDx Variant Classification Process June 2021. Collection method: clinical testing. Allele origin: germline. Affected: yes.
Comment: Not observed at significant frequency in large population cohorts (gnomAD); In silico analysis supports that this missense variant has a deleterious effect on protein structure/function; Has not been previously published as pathogenic or benign to our knowledge